The following is an entry in ClinVar:

ClinVar aggregate classification (germline): Likely pathogenic (1 of 4 stars; one submission).

Submission:

Labcorp Genetics (formerly Invitae), Labcorp
Classification: Likely pathogenic. Last evaluated: 2023-05-20. Review status: criteria provided, single submitter. Criteria: Invitae Variant Classification Sherloc (09022015). Collection method: clinical testing. Allele origin: germline.
Comment: Algorithms developed to predict the effect of sequence changes on RNA splicing suggest that this variant may disrupt the consensus splice site. This variant has not been reported in the literature in individuals affected with RXYLT1-related conditions. This variant is not present in population databases (gnomAD no frequency). This sequence change affects a donor splice site in intron 1 of the RXYLT1 gene. It is expected to disrupt RNA splicing. Variants that disrupt the donor or acceptor splice site typically lead to a loss of protein function (PMID: 16199547), and loss-of-function variants in RXYLT1 are known to be pathogenic (PMID: 23217329, 23519211, 31742715). In summary, the currently available evidence indicates that the variant is pathogenic, but additional data are needed to prove that conclusively. Therefore, this variant has been classified as Likely Pathogenic.

Literature cited by the submitters: PubMed 16199547; PubMed 23217329; PubMed 23519211; PubMed 31742715.

NM_014254.3(RXYLT1):c.169+2T>G

Gene: RXYLT1 (ribitol xylosyltransferase 1; plus strand). Cytogenetic location: 12q14.2.
Variant type: single nucleotide variant.
Coding change: c.169+2T>G on transcript NM_014254.3 (MANE Select); the canonical splice donor site of the intron after coding-DNA position 169, T replaced by G.
Molecular consequence: splice donor variant. On other transcripts: 5 prime UTR variant (1).
Genome position (GRCh38, 1-based): chr12:63,780,131, T>G. VCF-style: chr12-63780131-T-G. GRCh37 (hg19) VCF-style: chr12-64173911-T-G.
Other names: c.-943T>G (NM_001278237.2).
Identifiers: ClinVar variation 2866393 (VCV002866393.3), dbSNP rs1897640752, ClinGen allele CA385584068.